The following is an entry in ClinVar:

NM_007294.4(BRCA1):c.2116C>T (p.Pro706Ser)

Gene: BRCA1 (BRCA1 DNA repair associated; minus strand). Cytogenetic location: 17q21.31.
Variant type: single nucleotide variant.
Coding change: c.2116C>T on transcript NM_007294.4 (MANE Select); coding-DNA position 2116, C replaced by T.
Protein change: p.Pro706Ser; replaces proline 706 with serine.
Molecular consequence: missense variant. On other transcripts: intron variant (137).
Genome position (GRCh38, 1-based): chr17:43,093,415, G>A on the plus strand (C>T on the coding strand, the complement: BRCA1 is on the minus strand). VCF-style: chr17-43093415-G-A. GRCh37 (hg19) VCF-style: chr17-41245432-G-A.
Other names: c.2116C>T, p.Pro706Ser (NM_001407603.1, NM_001407605.1, NM_001407581.1 and 30 more transcripts); c.1903C>T, p.Pro635Ser (NM_001407571.1, NM_001407853.1, NM_001407898.1 and 9 more transcripts); c.2113C>T, p.Pro705Ser (NM_001407610.1, NM_001407611.1, NM_001407612.1 and 22 more transcripts); c.2107C>T, p.Pro703Ser (NM_001407647.1, NM_001407646.1); c.1993C>T, p.Pro665Ser (NM_001407648.1, NM_001407668.1, NM_001407669.1 and 19 more transcripts); c.1990C>T, p.Pro664Ser (NM_001407649.1, NM_001407670.1, NM_001407671.1 and 11 more transcripts); c.2038C>T, p.Pro680Ser (NM_001407653.1, NM_001407654.1, NM_001407655.1 and 4 more transcripts); c.2035C>T, p.Pro679Ser (NM_001407659.1, NM_001407660.1, NM_001407661.1 and 1 more transcripts); and 41 more; short protein forms P706S, P659S, P578S, P639S, P665S, P680S, P705S, P635S.
Identifiers: ClinVar variation 656956 (VCV000656956.18), dbSNP rs1597872071, ClinGen allele CA10597768.

ClinVar aggregate classification (germline): Conflicting classifications of pathogenicity. Review status: criteria provided, conflicting classifications (1 of 4 stars). 6 submissions from 6 submitters: Uncertain significance (5); Likely benign (1). Last evaluated 2025-02-23.

Conditions:
BRCA1-related cancer predisposition. Identifiers: MedGen CN377757, MONDO:0700268.
Hereditary breast ovarian cancer syndrome. Also called: Hereditary breast and ovarian cancer; Hereditary breast and/or ovarian cancer syndrome; Breast and ovarian cancer; BRCA1- and BRCA2-Associated Hereditary Breast and Ovarian Cancer; Hereditary breast and ovarian cancer syndrome; Hereditary breast and ovarian cancer syndrome (HBOC). Identifiers: Orphanet 145, MedGen C0677776, MeSH D061325, MONDO:0003582. Disease mechanism: loss of function.
Hereditary cancer-predisposing syndrome. Also called: Hereditary neoplastic syndrome; Tumor predisposition; Neoplastic Syndromes, Hereditary; Hereditary Cancer Syndrome. Identifiers: Orphanet 140162, MedGen C0027672, MeSH D009386, MONDO:0015356.

Submissions (6):

Labcorp Genetics (formerly Invitae), Labcorp
Classification: Uncertain significance for Hereditary breast ovarian cancer syndrome. Last evaluated: 2025-02-23. Review status: criteria provided, single submitter. Criteria: Invitae Variant Classification Sherloc (09022015). Collection method: clinical testing. Allele origin: germline.
Comment: This sequence change replaces proline, which is neutral and non-polar, with serine, which is neutral and polar, at codon 706 of the BRCA1 protein (p.Pro706Ser). This variant is not present in population databases (gnomAD no frequency). This variant has not been reported in the literature in individuals affected with BRCA1-related conditions. ClinVar contains an entry for this variant (Variation ID: 656956). Invitae Evidence Modeling of protein sequence and biophysical properties (such as structural, functional, and spatial information, amino acid conservation, physicochemical variation, residue mobility, and thermodynamic stability) indicates that this missense variant is not expected to disrupt BRCA1 protein function with a negative predictive value of 80%. In summary, the available evidence is currently insufficient to determine the role of this variant in disease. Therefore, it has been classified as a Variant of Uncertain Significance.

All of Us Research Program, National Institutes of Health
Classification: Uncertain significance for BRCA1-related cancer predisposition. Last evaluated: 2024-07-10. Review status: criteria provided, single submitter. Criteria: ACMG Guidelines, 2015. Collection method: clinical testing. Allele origin: germline. Inheritance: Autosomal dominant inheritance. Observed: 1 variant allele, 1 heterozygote.
Comment: This missense variant replaces proline with serine at codon 706 of the BRCA1 protein. Computational prediction is inconclusive regarding the impact of this variant on protein structure and function (internally defined REVEL score threshold 0.5 < inconclusive < 0.7, PMID: 27666373). To our knowledge, functional studies have not been reported for this variant. This variant has not been reported in individuals affected with BRCA1-related disorders in the literature. This variant has not been identified in the general population by the Genome Aggregation Database (gnomAD). The available evidence is insufficient to determine the role of this variant in disease conclusively. Therefore, this variant is classified as a Variant of Uncertain Significance.

This study involves interpretation of variants in research participants for the purpose of population health screening. Participant phenotype was not available at the time of variant classification. Additional details can be found in publication PMID: 35346344, PMCID: PMC8962531

Color Diagnostics, LLC DBA Color Health
Classification: Uncertain significance for Hereditary cancer-predisposing syndrome. Last evaluated: 2024-06-21. Review status: criteria provided, single submitter. Criteria: ACMG Guidelines, 2015. Collection method: clinical testing. Allele origin: germline.
Comment: This missense variant replaces proline with serine at codon 706 of the BRCA1 protein. Computational prediction is inconclusive regarding the impact of this variant on protein structure and function (internally defined REVEL score threshold 0.5 < inconclusive < 0.7, PMID: 27666373). To our knowledge, functional studies have not been reported for this variant. This variant has not been reported in individuals affected with BRCA1-related disorders in the literature. This variant has not been identified in the general population by the Genome Aggregation Database (gnomAD). The available evidence is insufficient to determine the role of this variant in disease conclusively. Therefore, this variant is classified as a Variant of Uncertain Significance.

University of Washington Department of Laboratory Medicine, University of Washington
Classification: Likely benign for Hereditary cancer-predisposing syndrome. Last evaluated: 2023-03-23. Review status: criteria provided, single submitter. Criteria: Dines et al. (Genet Med. 2020). Collection method: curation. Allele origin: germline.
Comment: Missense variant in a coldspot region where missense variants are very unlikely to be pathogenic (PMID:31911673).

BRCA1 coldspot (exon 11 using historical exon numbering). Reclassification based on statistical prior probability

Ambry Genetics
Classification: Uncertain significance for Hereditary cancer-predisposing syndrome. Last evaluated: 2020-12-01. Review status: criteria provided, single submitter. Criteria: Ambry Variant Classification Scheme 2023. Collection method: clinical testing. Allele origin: germline.
Comment: The p.P706S variant (also known as c.2116C>T), located in coding exon 9 of the BRCA1 gene, results from a C to T substitution at nucleotide position 2116. The proline at codon 706 is replaced by serine, an amino acid with similar properties. This amino acid position is not well conserved in available vertebrate species. In addition, the in silico prediction for this alteration is inconclusive. Since supporting evidence is limited at this time, the clinical significance of this alteration remains unclear.

Quest Diagnostics Nichols Institute San Juan Capistrano
Classification: Uncertain significance. Last evaluated: 2019-07-04. Review status: criteria provided, single submitter. Criteria: Quest Diagnostics criteria. Collection method: clinical testing. Allele origin: germline.